The following is an entry in ClinVar:

NM_007194.4(CHEK2):c.566T>G (p.Ile189Ser)

Gene: CHEK2 (checkpoint kinase 2; minus strand). Cytogenetic location: 22q12.1.
Variant type: single nucleotide variant.
Coding change: c.566T>G on transcript NM_007194.4 (MANE Select); coding-DNA position 566, T replaced by G.
Protein change: p.Ile189Ser; replaces isoleucine 189 with serine.
Molecular consequence: missense variant. On other transcripts: 5 prime UTR variant (2), intron variant (1).
Genome position (GRCh38, 1-based): chr22:28,725,003, A>C on the plus strand (T>G on the coding strand, the complement: CHEK2 is on the minus strand). VCF-style: chr22-28725003-A-C. GRCh37 (hg19) VCF-style: chr22-29120991-A-C.
Other names: c.695T>G, p.Ile232Ser (NM_001005735.3, NM_001438294.1); c.-212T>G (NM_001257387.3); c.-98T>G (NM_001437942.1); c.659T>G, p.Ile220Ser (NM_001438293.1, NM_001438295.1); c.566T>G, p.Ile189Ser (NM_145862.3); c.445-80T>G (NM_001349956.3); short protein forms I189S, I232S, I220S.
Identifiers: ClinVar variation 841429 (VCV000841429.10), dbSNP rs1456708574, ClinGen allele CA411107079.

ClinVar aggregate classification (germline): Uncertain significance (1 of 4 stars; one submission).

Conditions:
Familial cancer of breast. Also called: hereditary breast carcinoma; BREAST CANCER, FAMILIAL; Hereditary breast cancer. Identifiers: Orphanet 227535, MedGen C0346153, MONDO:0016419, OMIM 114480. Disease mechanism: loss of function.

Submission:

Labcorp Genetics (formerly Invitae), Labcorp
Classification: Uncertain significance for Familial cancer of breast. Last evaluated: 2020-06-09. Review status: criteria provided, single submitter. Criteria: Invitae Variant Classification Sherloc (09022015). Collection method: clinical testing. Allele origin: germline.
Comment: In summary, the available evidence is currently insufficient to determine the role of this variant in disease. Therefore, it has been classified as a Variant of Uncertain Significance. Algorithms developed to predict the effect of missense changes on protein structure and function (SIFT, PolyPhen-2, Align-GVGD) all suggest that this variant is likely to be disruptive, but these predictions have not been confirmed by published functional studies and their clinical significance is uncertain. This variant has been observed in individual(s) with colorectal cancer (PMID: 30730459). ClinVar contains an entry for this variant (Variation ID: 841429). This variant is not present in population databases (ExAC no frequency). This sequence change replaces isoleucine with serine at codon 189 of the CHEK2 protein (p.Ile189Ser). The isoleucine residue is highly conserved and there is a large physicochemical difference between isoleucine and serine.

Literature cited by the submitters: PubMed 30730459.